The following is an entry in ClinVar:

NM_002519.3(NPAT):c.1727A>G (p.His576Arg)

Gene: NPAT (nuclear protein, coactivator of histone transcription; minus strand). Cytogenetic location: 11q22.3.
Variant type: single nucleotide variant.
Coding change: c.1727A>G on transcript NM_002519.3 (MANE Select); coding-DNA position 1727, A replaced by G.
Protein change: p.His576Arg; replaces histidine 576 with arginine.
Molecular consequence: missense variant.
Genome position (GRCh38, 1-based): chr11:108,173,257, T>C on the plus strand (A>G on the coding strand, the complement: NPAT is on the minus strand). VCF-style: chr11-108173257-T-C. GRCh37 (hg19) VCF-style: chr11-108043984-T-C.
Other names: c.1727A>G, p.His576Arg (NM_001321307.1); short protein forms H576R.
Identifiers: ClinVar variation 3300678 (VCV003300678.1).

ClinVar aggregate classification (germline): Uncertain significance (1 of 4 stars; one submission).

Submission:

Ambry Genetics
Classification: Uncertain significance. Last evaluated: 2024-04-26. Review status: criteria provided, single submitter. Criteria: Ambry Variant Classification Scheme 2023. Collection method: clinical testing. Allele origin: germline.
Comment: The p.H576R variant (also known as c.1727A>G), located in coding exon 13 of the NPAT gene, results from an A to G substitution at nucleotide position 1727. The histidine at codon 576 is replaced by arginine, an amino acid with highly similar properties. This amino acid position is conserved. In addition, this alteration is predicted to be tolerated by in silico analysis. Based on the available evidence, the clinical significance of this variant remains unclear.